The following is an entry in ClinVar:

ClinVar aggregate classification (germline): Uncertain significance (1 of 4 stars; one submission).

Conditions:
Inborn genetic diseases. Identifiers: MedGen C0950123, MeSH D030342.

Submission:

Ambry Genetics
Classification: Uncertain significance for Inborn genetic diseases. Last evaluated: 2025-02-11. Review status: criteria provided, single submitter. Criteria: Ambry Variant Classification Scheme 2023. Collection method: clinical testing. Allele origin: germline.
Comment: The p.P299T variant (also known as c.895C>A), located in coding exon 1 of the SAMD9L gene, results from a C to A substitution at nucleotide position 895. The proline at codon 299 is replaced by threonine, an amino acid with highly similar properties. This amino acid position is conserved. In addition, this alteration is predicted to be tolerated by in silico analysis. Based on the available evidence, the clinical significance of this variant remains unclear.

NM_152703.5(SAMD9L):c.895C>A (p.Pro299Thr)

Gene: SAMD9L (sterile alpha motif domain containing 9 like; minus strand). Cytogenetic location: 7q21.2.
Variant type: single nucleotide variant.
Coding change: c.895C>A on transcript NM_152703.5 (MANE Select); coding-DNA position 895, C replaced by A.
Protein change: p.Pro299Thr; replaces proline 299 with threonine.
Molecular consequence: missense variant.
Genome position (GRCh38, 1-based): chr7:93,135,077, G>T on the plus strand (C>A on the coding strand, the complement: SAMD9L is on the minus strand). VCF-style: chr7-93135077-G-T. GRCh37 (hg19) VCF-style: chr7-92764390-G-T.
Other names: c.895C>A, p.Pro299Thr (NM_001303496.3, NM_001303497.3, NM_001303498.3 and 5 more transcripts); short protein forms P299T.
Identifiers: ClinVar variation 3792413 (VCV003792413.1).
Genomic context (GRCh38, chr7:93,135,077, plus strand): 5'-TATCATTACATATAGAGTGTTTTGGAATAGTATCAACTTCAATGACAAATCTGTCAGATG[G>T]TGTATTGTTCTGCAGAAGGACTTCCACAAACCTTGGCTCCCGAATACACTTCTTGGCTTC-3'
Protein context (NP_689916.2, residues 289-309): FVEVLLQNNT[Pro299Thr]SDRFVIEVDT